The following is an entry in ClinVar:

ClinVar aggregate classification (germline): Uncertain significance. Review status: criteria provided, multiple submitters, no conflicts (2 of 4 stars). 2 submissions from 2 submitters: Uncertain significance (2). Last evaluated 2022-03-20.

Conditions:
Vici syndrome (VICIS). Identifiers: Orphanet 1493, MedGen C1855772, MONDO:0009452, OMIM 242840.
Inborn genetic diseases. Identifiers: MedGen C0950123, MeSH D030342.

Allele frequency attached by ClinVar (database versions not stated): ExAC 0.00003; gnomAD exomes 0.00004 and 0.00022; TOPMed 0.00006; gnomAD 0.00008; 1000 Genomes Project 30x 0.00016; ESP Exome Variant Server 0.00017; 1000 Genomes Project 0.00020.

Submissions (2):

Labcorp Genetics (formerly Invitae), Labcorp
Classification: Uncertain significance for Vici syndrome. Last evaluated: 2022-03-20. Review status: criteria provided, single submitter. Criteria: Invitae Variant Classification Sherloc (09022015). Collection method: clinical testing. Allele origin: germline.
Comment: This sequence change replaces lysine, which is basic and polar, with arginine, which is basic and polar, at codon 136 of the EPG5 protein (p.Lys136Arg). This variant is present in population databases (rs199571302, gnomAD 0.006%). This variant has not been reported in the literature in individuals affected with EPG5-related conditions. ClinVar contains an entry for this variant (Variation ID: 568524). Algorithms developed to predict the effect of missense changes on protein structure and function output the following: SIFT: "Deleterious"; PolyPhen-2: "Benign"; Align-GVGD: "Class C0". The arginine amino acid residue is found in multiple mammalian species, which suggests that this missense change does not adversely affect protein function. In summary, the available evidence is currently insufficient to determine the role of this variant in disease. Therefore, it has been classified as a Variant of Uncertain Significance.

Ambry Genetics
Classification: Uncertain significance for Inborn genetic diseases. Last evaluated: 2021-08-10. Review status: criteria provided, single submitter. Criteria: Ambry Variant Classification Scheme 2023. Collection method: clinical testing. Allele origin: germline.

NM_020964.3(EPG5):c.407A>G (p.Lys136Arg)

Gene: EPG5 (ectopic P-granules 5 autophagy tethering factor; minus strand). Cytogenetic location: 18q21.1.
Variant type: single nucleotide variant.
Coding change: c.407A>G on transcript NM_020964.3 (MANE Select); coding-DNA position 407, A replaced by G.
Protein change: p.Lys136Arg; replaces lysine 136 with arginine.
Molecular consequence: missense variant.
Genome position (GRCh38, 1-based): chr18:45,954,995, T>C on the plus strand (A>G on the coding strand, the complement: EPG5 is on the minus strand). VCF-style: chr18-45954995-T-C. GRCh37 (hg19) VCF-style: chr18-43534961-T-C.
Other names: c.407A>G, p.Lys136Arg (LRG_1234t1); short protein forms K136R.
Identifiers: ClinVar variation 568524 (VCV000568524.7), dbSNP rs199571302, ClinGen allele CA8949952.